The following is an entry in ClinVar:

NM_000152.5(GAA):c.1211A>T (p.Asp404Val)

Gene: GAA (alpha glucosidase; plus strand). Cytogenetic location: 17q25.3.
Variant type: single nucleotide variant.
Coding change: c.1211A>T on transcript NM_000152.5 (MANE Select); coding-DNA position 1211, A replaced by T.
Protein change: p.Asp404Val; replaces aspartic acid 404 with valine.
Molecular consequence: missense variant.
Genome position (GRCh38, 1-based): chr17:80,108,713, A>T. VCF-style: chr17-80108713-A-T. GRCh37 (hg19) VCF-style: chr17-78082512-A-T.
Other names: c.1211A>T, p.Asp404Val (NM_001079803.3, NM_001079804.3); short protein forms D404V.
Identifiers: ClinVar variation 284865 (VCV000284865.7), dbSNP rs886042961, ClinGen allele CA10604928.

ClinVar aggregate classification (germline): Conflicting classifications of pathogenicity. Review status: criteria provided, conflicting classifications (1 of 4 stars). 3 submissions from 3 submitters: Likely pathogenic (1); Uncertain significance (2). Last evaluated 2026-07-01.

Conditions:
Glycogen storage disease, type II (IOPD). Also called: Pompe Disease; CARDIOMEGALIA GLYCOGENICA DIFFUSA; GLYCOGENOSIS, GENERALIZED, CARDIAC FORM; GSD II; Glycogen storage disease type 2; Acid maltase deficiency disease. Identifiers: Orphanet 365, MedGen C0017921, MONDO:0009290, OMIM 232300.

Allele frequency attached by ClinVar (database versions not stated): TOPMed 0.00002.
gnomAD v4.1: 1 of 1,612,640 alleles (0.000062%); highest among the groups gnomAD compares: African/African-American, 0.0013%; no homozygotes.

Submissions (3):

Genomenon, Inc
Classification: Uncertain significance for Glycogen storage disease, type II. Last evaluated: 2026-07-01. Review status: criteria provided, single submitter. Criteria: Genomenon Sequence Variant Interpretation Standards - Updated. Collection method: curation. Allele origin: germline. Affected: yes.
Comment: GAA p.Asp404Val (c.1211A>T) is a missense variant that changes the amino acid at codon 404 from Aspartic acid to Valine. This variant has been observed in at least one proband with a GAA-related disorder (PMID:33972680). The variant is located in a mutational hotspot and/or important functional domain. It is absent or not present at a significant frequency in gnomAD. In silico models predict that this variant is possibly or probably damaging. In conclusion, we classify GAA p.Asp404Val (c.1211A>T) as a variant of uncertain significance.

Myriad Genetics, Inc.
Classification: Likely pathogenic for Glycogen storage disease, type II. Last evaluated: 2025-08-01. Review status: criteria provided, single submitter. Criteria: Myriad Autosomal Dominant, Autosomal Recessive and X-Linked Classification Criteria (2023). Collection method: clinical testing. Allele origin: unknown.
Comment: NM_000152.3(GAA):c.1211A>T(D404V) is a missense variant classified as likely pathogenic in the context of Pompe disease. D404V has been observed in cases with relevant disease (PMID: undefined). Relevant functional assessments of this variant are not available in the literature. Internal structural analysis of the variant is supportive of pathogenicity. D404V has not been observed in referenced population frequency databases. In summary, NM_000152.3(GAA):c.1211A>T(D404V) is a missense variant that has internal structural support for pathogenicity and has been observed more frequently in cases with the relevant disease than in healthy populations. Please note: this variant was assessed in the context of healthy population screening.

Eurofins Ntd Llc (ga)
Classification: Uncertain significance. Last evaluated: 2015-11-25. Review status: criteria provided, single submitter. Criteria: EGL Classification Definitions 2015. Collection method: clinical testing. Allele origin: germline. Observed: 1 variant allele, 1 heterozygote.

Literature cited by the submitters: PubMed 33972680 (cited by Genomenon, Inc).